The following is an entry in ClinVar:

NM_001278716.2(FBXL4):c.1739T>C (p.Leu580Pro)

Gene: FBXL4 (F-box and leucine rich repeat protein 4; minus strand). Cytogenetic location: 6q16.1.
Variant type: single nucleotide variant.
Coding change: c.1739T>C on transcript NM_001278716.2 (MANE Select); coding-DNA position 1739, T replaced by C.
Protein change: p.Leu580Pro; replaces leucine 580 with proline.
Molecular consequence: missense variant. On other transcripts: non-coding transcript variant (1).
Genome position (GRCh38, 1-based): chr6:98,874,405, A>G on the plus strand (T>C on the coding strand, the complement: FBXL4 is on the minus strand). VCF-style: chr6-98874405-A-G. GRCh37 (hg19) VCF-style: chr6-99322281-A-G.
Other names: c.1739T>C, p.Leu580Pro (NM_012160.5); short protein forms L580P.
Identifiers: ClinVar variation 437805 (VCV000437805.1), dbSNP rs757154231, ClinGen allele CA3933352.
Genomic context (GRCh38, chr6:98,874,405, plus strand): 5'-TTATCAATCTGCGAACAGAAGGACACATCAAGTAAAGAAAGATCTTTACAAGATTCCAGG[A>G]GTTTTCTTAAGGATGCCGGACTTACCATTCTTGTTCCTATTTAAGGGAAACAAAACAAAA-3'
Protein context (NP_001265645.1, residues 570-590): RMVSPASLRK[Leu580Pro]LESCKDLSLL

ClinVar aggregate classification (germline): Uncertain significance (1 of 4 stars; one submission).

Conditions:
Mitochondrial DNA depletion syndrome 13. Also called: FBXL4-Related Encephalomyopathic Mitochondrial DNA Depletion Syndrome; Mitochondrial DNA depletion syndrome 13 (encephalomyopathic type). Identifiers: Orphanet 369897, MedGen C3809592, MONDO:0014198, OMIM 615471.

Submission:

Wong Mito Lab, Molecular and Human Genetics, Baylor College of Medicine
Classification: Uncertain significance for Mitochondrial DNA depletion syndrome 13. Last evaluated: 2017-08-10. Review status: criteria provided, single submitter. Criteria: ACMG Guidelines, 2015. Collection method: reference population. Allele origin: germline.
Comment: The NM_012160.4:c.1739T>C (NP_036292.2:p.Leu580Pro) [GRCH38: NC_000006.12:g.98874405A>G] variant in FBXL4 gene is interpretated to be a Uncertain Significance - Insufficient Evidence based on ACMG guidelines (PMID: 25741868). This variant meets one or more of the following evidence codes reported in the ACMG-guideline. PM2:This variant is absent in key population databases. PP3:Computational evidence/predictors indicate the variant has deleterious effect on FBXL4 structure, function, or protein-protein interaction. Based on this evidence code ClinGen Pathogenicity Calculator (PMID:28081714) suggested that the variant is Uncertain Significance - Insufficient Evidence.